The following is an entry in ClinVar:

NM_005188.4(CBL):c.2222C>A (p.Ala741Glu)

Gene: CBL (Cbl proto-oncogene; plus strand). Cytogenetic location: 11q23.3.
Variant type: single nucleotide variant.
Coding change: c.2222C>A on transcript NM_005188.4 (MANE Select); coding-DNA position 2222, C replaced by A.
Protein change: p.Ala741Glu; replaces alanine 741 with glutamic acid.
Molecular consequence: missense variant.
Genome position (GRCh38, 1-based): chr11:119,297,452, C>A. VCF-style: chr11-119297452-C-A. GRCh37 (hg19) VCF-style: chr11-119168162-C-A.
Other names: short protein forms A741E.
Identifiers: ClinVar variation 4868276 (VCV004868276.1).

ClinVar aggregate classification (germline): Uncertain significance (1 of 4 stars; one submission).

Conditions:
Cardiovascular phenotype. Identifiers: MedGen CN230736.

gnomAD v4.1: 1 of 1,612,926 alleles (0.000062%); highest among the groups gnomAD compares: Non-Finnish European, 0.000085%; no homozygotes.

Submission:

Ambry Genetics
Classification: Uncertain significance for Cardiovascular phenotype. Last evaluated: 2026-06-01. Review status: criteria provided, single submitter. Criteria: Ambry Variant Classification Scheme 2023. Collection method: clinical testing. Allele origin: germline.
Comment: The p.A741E variant (also known as c.2222C>A), located in coding exon 14 of the CBL gene, results from a C to A substitution at nucleotide position 2222. The alanine at codon 741 is replaced by glutamic acid, an amino acid with dissimilar properties. This amino acid position is conserved. In addition, this alteration is predicted to be tolerated by in silico analysis. Based on the available evidence, the clinical significance of this variant remains unclear.